The following is an entry in ClinVar:

NM_000057.4(BLM):c.2616A>C (p.Lys872Asn)

Gene: BLM (BLM RecQ like helicase; plus strand). Cytogenetic location: 15q26.1.
Variant type: single nucleotide variant.
Coding change: c.2616A>C on transcript NM_000057.4 (MANE Select); coding-DNA position 2616, A replaced by C.
Protein change: p.Lys872Asn; replaces lysine 872 with asparagine.
Molecular consequence: missense variant.
Genome position (GRCh38, 1-based): chr15:90,782,882, A>C. VCF-style: chr15-90782882-A-C. GRCh37 (hg19) VCF-style: chr15-91326112-A-C.
Other names: c.2616A>C, p.Lys872Asn (NM_001287246.2, NM_001287247.2); c.1491A>C, p.Lys497Asn (NM_001287248.2); short protein forms K872N, K497N.
Identifiers: ClinVar variation 3652832 (VCV003652832.2).

ClinVar aggregate classification (germline): Uncertain significance (1 of 4 stars; one submission).

Conditions:
Bloom syndrome (BLM). Also called: Bloom-Torre-Machacek syndrome. Identifiers: Orphanet 125, MedGen C0005859, MONDO:0008876, OMIM 210900.

Submission:

Labcorp Genetics (formerly Invitae), Labcorp
Classification: Uncertain significance for Bloom syndrome. Last evaluated: 2024-10-30. Review status: criteria provided, single submitter. Criteria: Invitae Variant Classification Sherloc (09022015). Collection method: clinical testing. Allele origin: germline.
Comment: This sequence change replaces lysine, which is basic and polar, with asparagine, which is neutral and polar, at codon 872 of the BLM protein (p.Lys872Asn). This variant is not present in population databases (gnomAD no frequency). This variant has not been reported in the literature in individuals affected with BLM-related conditions. Invitae Evidence Modeling of protein sequence and biophysical properties (such as structural, functional, and spatial information, amino acid conservation, physicochemical variation, residue mobility, and thermodynamic stability) indicates that this missense variant is expected to disrupt BLM protein function with a positive predictive value of 80%. In summary, the available evidence is currently insufficient to determine the role of this variant in disease. Therefore, it has been classified as a Variant of Uncertain Significance.